The following is an entry in ClinVar:

NM_000760.4(CSF3R):c.64+3G>A

Gene: CSF3R (colony stimulating factor 3 receptor; minus strand). Cytogenetic location: 1p34.3.
Variant type: single nucleotide variant.
Coding change: c.64+3G>A on transcript NM_000760.4 (MANE Select); 3 bases into the intron after coding-DNA position 64, G replaced by A.
Molecular consequence: intron variant.
Genome position (GRCh38, 1-based): chr1:36,479,430, C>T on the plus strand (G>A on the coding strand, the complement: CSF3R is on the minus strand). VCF-style: chr1-36479430-C-T. GRCh37 (hg19) VCF-style: chr1-36945031-C-T.
Other names: c.64+3G>A (NM_156039.3, NM_172313.3).
Identifiers: ClinVar variation 1916898 (VCV001916898.5), dbSNP rs1357637515, ClinGen allele CA521997649.
Genomic context (GRCh38, chr1:36,479,430, plus strand): 5'-TTCCCAATATCTCTCCTTGTAGCTTCCCCTCCCCACTGCACCCTCATCCTTGGCCATACT[C>T]ACTTCCGGGGAGCAGCAGGATGATCAGGGCAGCCCAAGTCAGGCTGCAGTTTCCCAGCCT-3'

ClinVar aggregate classification (germline): Uncertain significance (1 of 4 stars; one submission).

Conditions:
Autosomal recessive severe congenital neutropenia due to CSF3R deficiency. Also called: Neutropenia, severe congenital, 7, autosomal recessive. Identifiers: Orphanet 420702, MedGen C4310764, MONDO:0014865, OMIM 617014.

Allele frequency attached by ClinVar (database versions not stated): gnomAD exomes below 0.00001; gnomAD 0.00001; TOPMed 0.00001.

Submission:

Labcorp Genetics (formerly Invitae), Labcorp
Classification: Uncertain significance for Autosomal recessive severe congenital neutropenia due to CSF3R deficiency. Last evaluated: 2025-03-18. Review status: criteria provided, single submitter. Criteria: Invitae Variant Classification Sherloc (09022015). Collection method: clinical testing. Allele origin: germline.
Comment: This sequence change falls in intron 3 of the CSF3R gene. It does not directly change the encoded amino acid sequence of the CSF3R protein. It affects a nucleotide within the consensus splice site. This variant is present in population databases (no rsID available, gnomAD 0.06%). This variant has not been reported in the literature in individuals affected with CSF3R-related conditions. ClinVar contains an entry for this variant (Variation ID: 1916898). Variants that disrupt the consensus splice site are a relatively common cause of aberrant splicing (PMID: 17576681, 9536098). Algorithms developed to predict the effect of sequence changes on RNA splicing suggest that this variant is not likely to affect RNA splicing. In summary, the available evidence is currently insufficient to determine the role of this variant in disease. Therefore, it has been classified as a Variant of Uncertain Significance.

Literature cited by the submitters: PubMed 17576681; PubMed 9536098.